The following is an entry in ClinVar:

NM_198576.4(AGRN):c.5554_5555dup (p.Glu1853fs)

Gene: AGRN (agrin; plus strand). Cytogenetic location: 1p36.33.
Variant type: Duplication.
Coding change: c.5554_5555dup on transcript NM_198576.4 (MANE Select); coding-DNA positions 5554 to 5555, 2 bases duplicated (TG; older notation c.5554_5555dupTG).
Protein change: p.Glu1853fs; shifts the reading frame from glutamic acid 1853.
Molecular consequence: frameshift variant.
Genome position (GRCh38, 1-based): chr1:1,051,636-1,051,637, TG duplicated. VCF-style (leftmost placement, unchanged base first): chr1-1051635-C-CTG. GRCh37 (hg19) VCF-style: chr1-987015-C-CTG.
Other names: c.5566_5567dup, p.Glu1857fs (NM_001305275.2); c.5251_5252dup, p.Glu1752fs (NM_001364727.2); short protein forms E1752fs, E1853fs, E1857fs.
Identifiers: ClinVar variation 1458742 (VCV001458742.6), dbSNP rs2100689699, ClinGen allele CA2573130471.
Genomic context (GRCh38, chr1:1,051,635, plus strand): 5'-CTGCGTCCCGAGGGAGGCTGCCTATGTGTGCCTGTGTCCCGGGGGATTCTCAGGACCGCA[C>CTG]TGCGAGAAGGGTGAGCCTGGCACAGGGCAGGGGGCGGAGGCCGGATGGGCCCGGAGCCCA-3'

ClinVar aggregate classification (germline): Pathogenic (1 of 4 stars; one submission).

Conditions:
Congenital myasthenic syndrome 8. Also called: Myasthenic syndrome, congenital, 8, with pre- and postsynaptic defects; MYASTHENIC SYNDROME, CONGENITAL, DUE TO AGRIN DEFICIENCY. Identifiers: Orphanet 590, MedGen C3808739, MONDO:0014052, OMIM 615120.

Submission:

Labcorp Genetics (formerly Invitae), Labcorp
Classification: Pathogenic for Congenital myasthenic syndrome 8. Last evaluated: 2021-08-23. Review status: criteria provided, single submitter. Criteria: Invitae Variant Classification Sherloc (09022015). Collection method: clinical testing. Allele origin: germline.
Comment: This sequence change creates a premature translational stop signal (p.Glu1853Alafs*30) in the AGRN gene. It is expected to result in an absent or disrupted protein product. Loss-of-function variants in AGRN are known to be pathogenic (PMID: 24951643). This variant is not present in population databases (ExAC no frequency). This variant has not been reported in the literature in individuals affected with AGRN-related conditions. For these reasons, this variant has been classified as Pathogenic.

Literature cited by the submitters: PubMed 24951643.